The following is an entry in ClinVar:

NM_001876.4(CPT1A):c.1984dup (p.Val662fs)

Gene: CPT1A (carnitine palmitoyltransferase 1A; minus strand). Cytogenetic location: 11q13.3.
Variant type: Duplication.
Coding change: c.1984dup on transcript NM_001876.4 (MANE Select); coding-DNA position 1984, one base duplicated (G; older notation c.1984dupG).
Protein change: p.Val662fs; shifts the reading frame from valine 662.
Molecular consequence: frameshift variant.
Genome position (GRCh38, 1-based): chr11:68,761,579, C duplicated on the plus strand (G on the coding strand, the reverse complement: CPT1A is on the minus strand). VCF-style (leftmost placement, unchanged base first): chr11-68761578-A-AC. GRCh37 (hg19) VCF-style: chr11-68529046-A-AC.
Other names: c.1984dup, p.Val662fs (NM_001031847.3); short protein forms V662fs.
Identifiers: ClinVar variation 1456414 (VCV001456414.6), dbSNP rs2153994995, ClinGen allele CA2573147673.

ClinVar aggregate classification (germline): Pathogenic (1 of 4 stars; one submission).

Conditions:
Carnitine palmitoyl transferase 1A deficiency. Also called: Carnitine palmitoyltransferase type I deficiency; CPT deficiency, hepatic, type IA; CPT I DEFICIENCY; CPT DEFICIENCY, HEPATIC, TYPE I; Carnitine palmitoyltransferase 1A deficiency. Identifiers: Orphanet 156, MedGen C1829703, MONDO:0009705, OMIM 255120.

Submission:

Labcorp Genetics (formerly Invitae), Labcorp
Classification: Pathogenic for Carnitine palmitoyl transferase 1A deficiency. Last evaluated: 2021-04-28. Review status: criteria provided, single submitter. Criteria: Invitae Variant Classification Sherloc (09022015). Collection method: clinical testing. Allele origin: germline.
Comment: For these reasons, this variant has been classified as Pathogenic. This variant has not been reported in the literature in individuals with CPT1A-related conditions. This variant is not present in population databases (ExAC no frequency). This sequence change creates a premature translational stop signal (p.Val662Glyfs*4) in the CPT1A gene. It is expected to result in an absent or disrupted protein product. Loss-of-function variants in CPT1A are known to be pathogenic (PMID: 16169268).

Literature cited by the submitters: PubMed 16169268.